The following is an entry in ClinVar:

ClinVar aggregate classification (germline): Uncertain significance (1 of 4 stars; one submission).

Conditions:
Ellis-van Creveld syndrome (EVC). Also called: MESOECTODERMAL DYSPLASIA; Chondroectodermal dysplasia; EVC-Related Ellis-van Creveld Syndrome; EVC2-Related Ellis-van Creveld Syndrome. Identifiers: Orphanet 289, MedGen C0013903, MONDO:0009162, OMIM 225500.
Curry-Hall syndrome (WAD). Also called: WEYERS ACRODENTAL DYSOSTOSIS. Identifiers: Orphanet 952, MedGen C0457013, MONDO:0008673, OMIM 193530.

Allele frequency attached by ClinVar (database versions not stated): TOPMed 0.00001; ExAC 0.00003; gnomAD 0.00003; 1000 Genomes Project 30x 0.00016; 1000 Genomes Project 0.00020.
gnomAD v4.1: 24 of 1,612,658 alleles (0.0015%); highest among the groups gnomAD compares: East Asian, 0.0022%; no homozygotes.

Submission:

Labcorp Genetics (formerly Invitae), Labcorp
Classification: Uncertain significance for Curry-Hall syndrome; Ellis-van Creveld syndrome. Last evaluated: 2021-09-24. Review status: criteria provided, single submitter. Criteria: Invitae Variant Classification Sherloc (09022015). Collection method: clinical testing. Allele origin: germline.
Comment: This sequence change replaces arginine with glutamine at codon 632 of the EVC protein (p.Arg632Gln). The arginine residue is weakly conserved and there is a small physicochemical difference between arginine and glutamine. This variant is present in population databases (rs535632933, ExAC 0.005%). This variant has not been reported in the literature in individuals with EVC-related conditions. Algorithms developed to predict the effect of missense changes on protein structure and function output the following: SIFT: "Tolerated"; PolyPhen-2: "Benign"; Align-GVGD: "Class C0". The glutamine amino acid residue is found in multiple mammalian species, suggesting that this missense change does not adversely affect protein function. These predictions have not been confirmed by published functional studies and their clinical significance is uncertain. In summary, the available evidence is currently insufficient to determine the role of this variant in disease. Therefore, it has been classified as a Variant of Uncertain Significance.

NM_153717.3(EVC):c.1895G>A (p.Arg632Gln)

Gene: EVC (EvC ciliary complex subunit 1; plus strand). Cytogenetic location: 4p16.2.
Variant type: single nucleotide variant.
Coding change: c.1895G>A on transcript NM_153717.3 (MANE Select); coding-DNA position 1895, G replaced by A.
Protein change: p.Arg632Gln; replaces arginine 632 with glutamine.
Molecular consequence: missense variant.
Genome position (GRCh38, 1-based): chr4:5,797,030, G>A. VCF-style: chr4-5797030-G-A. GRCh37 (hg19) VCF-style: chr4-5798757-G-A.
Other names: c.1895G>A, p.Arg632Gln (NM_001306090.2); short protein forms R632Q.
Identifiers: ClinVar variation 2160682 (VCV002160682.1), dbSNP rs535632933, ClinGen allele CA2836313.
Genomic context (GRCh38, chr4:5,797,030, plus strand): 5'-GCTTCGTGAAGCCAAGAGCATTGACCCCACCCCTCACCTGCTTTCCTCAAAGGTCCACGC[G>A]GTGTGTCCTGCAGGGGCATGACCTGCTGTTGCGCTCAGCCCTCCGGAGGCTGGCACTCCG-3'
Protein context (NP_714928.1, residues 622-642): RLGGLTEEST[Arg632Gln]CVLQGHDLLL